The following is an entry in ClinVar:

ClinVar aggregate classification (germline): Uncertain significance. Review status: criteria provided, multiple submitters, no conflicts (2 of 4 stars). 2 submissions from 2 submitters: Uncertain significance (2). Last evaluated 2026-07-21.

Conditions:
FLG-related disorder. Also called: FLG-related disorders; FLG-related condition.
Inborn genetic diseases. Identifiers: MedGen C0950123, MeSH D030342.

gnomAD v4.1: 5 of 1,613,858 alleles (0.00031%); highest among the groups gnomAD compares: Admixed American, 0.0067%; no homozygotes.

Submissions (2):

PreventionGenetics, part of Exact Sciences
Classification: Uncertain significance for FLG-related condition. Last evaluated: 2026-07-21. Review status: criteria provided, single submitter. Criteria: ACMG Guidelines, 2015. Collection method: clinical testing. Allele origin: germline.
Comment: The FLG c.998C>A variant is predicted to result in the amino acid substitution p.Ser333Tyr. To our knowledge, this variant has not been reported in the literature or in a large population database (gnomAD), indicating this variant is rare. At this time, the clinical significance of this variant is uncertain due to the absence of conclusive functional and genetic evidence.

Ambry Genetics
Classification: Uncertain significance for Inborn genetic diseases. Last evaluated: 2024-08-20. Review status: criteria provided, single submitter. Criteria: Ambry Variant Classification Scheme 2023. Collection method: clinical testing. Allele origin: germline.

NM_002016.2(FLG):c.998C>A (p.Ser333Tyr)

Genes: CCDST (cervical cancer associated DHX9 suppressive transcript; plus strand), FLG (filaggrin; minus strand). Cytogenetic location: 1q21.3.
Variant type: single nucleotide variant.
Coding change: c.998C>A on transcript NM_002016.2 (MANE Select); coding-DNA position 998, C replaced by A.
Protein change: p.Ser333Tyr; replaces serine 333 with tyrosine.
Molecular consequence: missense variant. On other transcripts: non-coding transcript variant (1).
Genome position (GRCh38, 1-based): chr1:152,313,888, G>T on the plus strand (C>A on the coding strand, the complement: FLG is on the minus strand). VCF-style: chr1-152313888-G-T. GRCh37 (hg19) VCF-style: chr1-152286364-G-T.
Other names: short protein forms S333Y.
Identifiers: ClinVar variation 3515684 (VCV003515684.2).